The following is an entry in ClinVar:

NM_000257.4(MYH7):c.1579-9C>T

Gene: MYH7 (myosin heavy chain 7; minus strand). Cytogenetic location: 14q11.2.
Variant type: single nucleotide variant.
Coding change: c.1579-9C>T on transcript NM_000257.4 (MANE Select); 9 bases into the intron before coding-DNA position 1579, C replaced by T.
Molecular consequence: intron variant.
Genome position (GRCh38, 1-based): chr14:23,427,903, G>A on the plus strand (C>T on the coding strand, the complement: MYH7 is on the minus strand). VCF-style: chr14-23427903-G-A. GRCh37 (hg19) VCF-style: chr14-23897112-G-A.
Identifiers: ClinVar variation 1547757 (VCV001547757.11), dbSNP rs746693128, ClinGen allele CA028903.

ClinVar aggregate classification (germline): Likely benign. Review status: criteria provided, multiple submitters, no conflicts (2 of 4 stars). 3 submissions from 3 submitters: Likely benign (3). Last evaluated 2023-04-10.

Conditions:
Cardiomyopathy (CMYO). Also called: Cardiomyopathies. Identifiers: Orphanet 167848, MedGen C0878544, MONDO:0004994, HP:0001638. Inheritance: Various modes of inheritance.
Hypertrophic cardiomyopathy. Also called: HYPERTROPHIC MYOCARDIOPATHY. Identifiers: Orphanet 217569, MedGen C0007194, MeSH D002312, MONDO:0005045, HP:0001639.

Allele frequency attached by ClinVar (database versions not stated): gnomAD 0.00001; ExAC 0.00003; gnomAD exomes 0.00003 and 0.00005.

Submissions (3):

All of Us Research Program, National Institutes of Health
Classification: Likely benign for Cardiomyopathy. Last evaluated: 2023-04-10. Review status: criteria provided, single submitter. Criteria: ACMG Guidelines, 2015. Collection method: clinical testing. Allele origin: germline. Inheritance: Autosomal dominant inheritance. Observed: 1 variant allele, 1 heterozygote.
Comment: This study involves interpretation of variants in research participants for the purpose of population health screening. Participant phenotype was not available at the time of variant classification. Additional details can be found in publication PMID: 35346344, PMCID: PMC8962531

Color Diagnostics, LLC DBA Color Health
Classification: Likely benign for Cardiomyopathy. Last evaluated: 2022-10-25. Review status: criteria provided, single submitter. Criteria: ACMG Guidelines, 2015. Collection method: clinical testing. Allele origin: germline.

Labcorp Genetics (formerly Invitae), Labcorp
Classification: Likely benign for Hypertrophic cardiomyopathy. Last evaluated: 2022-08-10. Review status: criteria provided, single submitter. Criteria: Invitae Variant Classification Sherloc (09022015). Collection method: clinical testing. Allele origin: germline.